The following is an entry in ClinVar:

NM_001062.4(TCN1):c.1151C>T (p.Pro384Leu)

Gene: TCN1 (transcobalamin 1; minus strand). Cytogenetic location: 11q12.1.
Variant type: single nucleotide variant.
Coding change: c.1151C>T on transcript NM_001062.4 (MANE Select); coding-DNA position 1151, C replaced by T.
Protein change: p.Pro384Leu; replaces proline 384 with leucine.
Molecular consequence: missense variant.
Genome position (GRCh38, 1-based): chr11:59,853,292, G>A on the plus strand (C>T on the coding strand, the complement: TCN1 is on the minus strand). VCF-style: chr11-59853292-G-A. GRCh37 (hg19) VCF-style: chr11-59620765-G-A.
Other names: c.1151C>T (NM_001062.3); short protein forms P384L.
Identifiers: ClinVar variation 1011214 (VCV001011214.7), dbSNP rs745735811, ClinGen allele CA6021788.

ClinVar aggregate classification (germline): Uncertain significance. Review status: criteria provided, multiple submitters, no conflicts (2 of 4 stars). 2 submissions from 2 submitters: Uncertain significance (2). Last evaluated 2025-08-23.

Conditions:
Transcobalamin I deficiency (TCN1D). Also called: COBALAMIN PSEUDODEFICIENCY DUE TO TRANSCOBALAMIN DEFICIENCY; COBALAMIN R BINDER PROTEIN DEFICIENCY; TCN1 DEFICIENCY. Identifiers: Orphanet 2967, MedGen C0342700, MONDO:0008659, OMIM 193090.

Allele frequency attached by ClinVar (database versions not stated): gnomAD below 0.00001 and 0.00001; TOPMed below 0.00001; gnomAD exomes 0.00005 and 0.00009; ExAC 0.00010.
gnomAD v4.1: 78 of 1,613,928 alleles (0.0048%); highest among the groups gnomAD compares: South Asian, 0.079%; no homozygotes.

Submissions (2):

Ambry Genetics
Classification: Uncertain significance. Last evaluated: 2025-08-23. Review status: criteria provided, single submitter. Criteria: Ambry Variant Classification Scheme 2023. Collection method: clinical testing. Allele origin: germline.

Labcorp Genetics (formerly Invitae), Labcorp
Classification: Uncertain significance for Transcobalamin I deficiency. Last evaluated: 2021-08-28. Review status: criteria provided, single submitter. Criteria: Invitae Variant Classification Sherloc (09022015). Collection method: clinical testing. Allele origin: germline.
Comment: This sequence change replaces proline with leucine at codon 384 of the TCN1 protein (p.Pro384Leu). The proline residue is highly conserved and there is a moderate physicochemical difference between proline and leucine. This variant is present in population databases (rs745735811, ExAC 0.07%). This variant has not been reported in the literature in individuals affected with TCN1-related conditions. Algorithms developed to predict the effect of missense changes on protein structure and function output the following: SIFT: "Deleterious"; PolyPhen-2: "Probably Damaging"; Align-GVGD: "Class C0". The leucine amino acid residue is found in multiple mammalian species, which suggests that this missense change does not adversely affect protein function. In summary, the available evidence is currently insufficient to determine the role of this variant in disease. Therefore, it has been classified as a Variant of Uncertain Significance.